The following is an entry in ClinVar:

ClinVar aggregate classification (germline): Uncertain significance. Review status: criteria provided, multiple submitters, no conflicts (2 of 4 stars). 2 submissions from 2 submitters: Uncertain significance (2). Last evaluated 2025-09-10.

Conditions:
Amyotrophic lateral sclerosis type 4 (ALS4). Also called: AMYOTROPHIC LATERAL SCLEROSIS 4, JUVENILE; NEURONOPATHY, DISTAL HEREDITARY MOTOR, WITH PYRAMIDAL FEATURES. Identifiers: Orphanet 357043, MedGen C1865409, MONDO:0011223, OMIM 602433.
Spinocerebellar ataxia, autosomal recessive, with axonal neuropathy 2 (SCAN2). Also called: ATAXIA-OCULOMOTOR APRAXIA 2; Ataxia-ocular apraxia-2; Ataxia with Oculomotor Apraxia; Ataxia with Oculomotor Apraxia Type 2. Identifiers: Orphanet 64753, MedGen C1853761, MONDO:0018996, OMIM 606002.

gnomAD v4.1: 3 of 1,614,136 alleles (0.00019%); highest among the groups gnomAD compares: Non-Finnish European, 0.00025%; no homozygotes.

Submissions (2):

Labcorp Genetics (formerly Invitae), Labcorp
Classification: Uncertain significance for Amyotrophic lateral sclerosis type 4; Spinocerebellar ataxia, autosomal recessive, with axonal neuropathy 2. Last evaluated: 2025-09-10. Review status: criteria provided, single submitter. Criteria: Invitae Variant Classification Sherloc (09022015). Collection method: clinical testing. Allele origin: germline.
Comment: This sequence change replaces arginine, which is basic and polar, with histidine, which is basic and polar, at codon 402 of the SETX protein (p.Arg402His). This variant is not present in population databases (gnomAD no frequency). This variant has not been reported in the literature in individuals affected with SETX-related conditions. Invitae Evidence Modeling of protein sequence and biophysical properties (such as structural, functional, and spatial information, amino acid conservation, physicochemical variation, residue mobility, and thermodynamic stability) has been performed for this missense variant. However, the output from this modeling did not meet the statistical confidence thresholds required to predict the impact of this variant on SETX protein function. In summary, the available evidence is currently insufficient to determine the role of this variant in disease. Therefore, it has been classified as a Variant of Uncertain Significance.

Blueprint Genetics
Classification: Uncertain significance. Last evaluated: 2022-04-19. Review status: criteria provided, single submitter. Criteria: ACMG Guidelines, 2015. Collection method: clinical testing. Allele origin: germline.

NM_015046.7(SETX):c.1205G>A (p.Arg402His)

Gene: SETX (senataxin; minus strand). Cytogenetic location: 9q34.13.
Variant type: single nucleotide variant.
Coding change: c.1205G>A on transcript NM_015046.7 (MANE Select); coding-DNA position 1205, G replaced by A.
Protein change: p.Arg402His; replaces arginine 402 with histidine.
Molecular consequence: missense variant.
Genome position (GRCh38, 1-based): chr9:132,330,393, C>T on the plus strand (G>A on the coding strand, the complement: SETX is on the minus strand). VCF-style: chr9-132330393-C-T. GRCh37 (hg19) VCF-style: chr9-135205780-C-T.
Other names: c.1205G>A, p.Arg402His (NM_001351527.2, NM_001351528.2); short protein forms R402H.
Identifiers: ClinVar variation 4788807 (VCV004788807.2).
Genomic context (GRCh38, chr9:132,330,393, plus strand): 5'-TTAAGATCCATGAGGGACTGGACAAAAGGGATGAACCATAGAAATGTGCTGTTATGAACA[C>T]GCATGTCTTGACCAATATCTGACTGAAGTACACTGGCTAATGTTTCCATTTCTTCATACA-3'
Protein context (NP_055861.3, residues 392-412): VLQSDIGQDM[Arg402His]VHNSTFLWFI